The following is an entry in ClinVar:

NM_001031689.3(PLAA):c.592del (p.Ala198fs)

Gene: PLAA (phospholipase A2 activating protein; minus strand). Cytogenetic location: 9p21.2.
Variant type: Deletion.
Coding change: c.592del on transcript NM_001031689.3 (MANE Select); coding-DNA position 592, one base deleted (G; older notation c.592delG).
Protein change: p.Ala198fs; shifts the reading frame from alanine 198.
Molecular consequence: frameshift variant.
Genome position (GRCh38, 1-based): chr9:26,926,534, C deleted on the plus strand (G on the coding strand, the reverse complement: PLAA is on the minus strand); the first of 2 consecutive C bases (chr9:26,926,534-26,926,535); deleting either gives the same sequence. VCF-style (leftmost placement, unchanged base first): chr9-26926533-GC-G. GRCh37 (hg19) VCF-style: chr9-26926531-GC-G.
Other names: c.592del, p.Ala198fs (NM_001321546.2); short protein forms A198fs.
Identifiers: ClinVar variation 1511351 (VCV001511351.3), dbSNP rs1487671307, ClinGen allele CA862721969.

ClinVar aggregate classification (germline): Uncertain significance (1 of 4 stars; one submission).

Submission:

Labcorp Genetics (formerly Invitae), Labcorp
Classification: Uncertain significance. Last evaluated: 2021-02-17. Review status: criteria provided, single submitter. Criteria: Invitae Variant Classification Sherloc (09022015). Collection method: clinical testing. Allele origin: germline.
Comment: This sequence change creates a premature translational stop signal (p.Ala198Glnfs*3) in the PLAA gene. It is expected to result in an absent or disrupted protein product. However, the current clinical and genetic evidence is not sufficient to establish whether loss-of-function variants in PLAA cause disease. This variant is not present in population databases (ExAC no frequency). This variant has not been reported in the literature in individuals with PLAA-related conditions. In summary, the available evidence is currently insufficient to determine the role of this variant in disease. Therefore, it has been classified as a Variant of Uncertain Significance.